The following is an entry in ClinVar:

ClinVar aggregate classification (germline): Uncertain significance (1 of 4 stars; one submission).

Submission:

GeneDx
Classification: Uncertain significance. Last evaluated: 2024-11-12. Review status: criteria provided, single submitter. Criteria: GeneDx Variant Classification Process June 2021. Collection method: clinical testing. Allele origin: germline. Affected: yes.
Comment: Not observed at significant frequency in large population cohorts (gnomAD); In silico analysis supports that this missense variant has a deleterious effect on protein structure/function; Has not been previously published as pathogenic or benign to our knowledge

NM_001127222.2(CACNA1A):c.4535C>T (p.Thr1512Ile)

Gene: CACNA1A (calcium voltage-gated channel subunit alpha1 A; minus strand). Cytogenetic location: 19p13.13.
Variant type: single nucleotide variant.
Coding change: c.4535C>T on transcript NM_001127222.2 (MANE Select); coding-DNA position 4535, C replaced by T.
Protein change: p.Thr1512Ile; replaces threonine 1512 with isoleucine.
Molecular consequence: missense variant.
Genome position (GRCh38, 1-based): chr19:13,257,405, G>A on the plus strand (C>T on the coding strand, the complement: CACNA1A is on the minus strand). VCF-style: chr19-13257405-G-A. GRCh37 (hg19) VCF-style: chr19-13368219-G-A.
Other names: c.4547C>T, p.Thr1516Ile (NM_000068.4, NM_023035.3); c.4538C>T, p.Thr1513Ile (NM_001127221.2, NM_001174080.2); short protein forms T1512I, T1513I, T1516I.
Identifiers: ClinVar variation 3899607 (VCV003899607.1).